The following is an entry in ClinVar:

NM_001243177.4(ALDOA):c.843C>T (p.Thr281=)

Genes: ALDOA (aldolase, fructose-bisphosphate A; plus strand), LOC112694756 (uncharaterized LOC112694756; plus strand). Cytogenetic location: 16p11.2.
Variant type: single nucleotide variant.
Coding change: c.843C>T on transcript NM_001243177.4 (MANE Select); coding-DNA position 843, C replaced by T.
Protein change: p.Thr281=; no amino-acid change (threonine 281 retained).
Molecular consequence: synonymous variant. On other transcripts: 3 prime UTR variant (3).
Genome position (GRCh38, 1-based): chr16:30,069,555, C>T. VCF-style: chr16-30069555-C-T. GRCh37 (hg19) VCF-style: chr16-30080876-C-T.
Other names: NM_000034.3:c.681C>T; c.*1190C>T (NM_001365304.2, NM_001365305.2, NM_001365307.2); c.681C>T, p.Thr227= (NM_001127617.2, NM_184041.5, NM_184043.2).
Identifiers: ClinVar variation 4994306 (VCV004994306.1).

ClinVar aggregate classification (germline): Likely benign (1 of 4 stars; one submission).

Conditions:
ALDOA-related disorder. Also called: ALDOA-related condition.

gnomAD v4.1: 1 of 1,614,134 alleles (0.000062%); no homozygotes.

Submission:

PreventionGenetics, part of Exact Sciences
Classification: Likely benign for ALDOA-related condition. Last evaluated: 2026-09-09. Review status: criteria provided, single submitter. Criteria: ACMG Guidelines, 2015. Collection method: clinical testing. Allele origin: germline.
Comment: This variant is classified as likely benign based on ACMG/AMP sequence variant interpretation guidelines (Richards et al. 2015 PMID: 25741868, with internal and published modifications).